The following is an entry in ClinVar:

NM_001145715.3(KPNA7):c.845C>T (p.Thr282Met)

Gene: KPNA7 (karyopherin subunit alpha 7; minus strand). Cytogenetic location: 7q22.1.
Variant type: single nucleotide variant.
Coding change: c.845C>T on transcript NM_001145715.3 (MANE Select); coding-DNA position 845, C replaced by T.
Protein change: p.Thr282Met; replaces threonine 282 with methionine.
Molecular consequence: missense variant.
Genome position (GRCh38, 1-based): chr7:99,188,355, G>A on the plus strand (C>T on the coding strand, the complement: KPNA7 is on the minus strand). VCF-style: chr7-99188355-G-A. GRCh37 (hg19) VCF-style: chr7-98785978-G-A.
Other names: short protein forms T282M.
Identifiers: ClinVar variation 409802 (VCV000409802.6), dbSNP rs550198713, ClinGen allele CA4363182.

ClinVar aggregate classification (germline): Uncertain significance (1 of 4 stars; one submission).

Allele frequency attached by ClinVar (database versions not stated): gnomAD 0.00001; TOPMed 0.00002; gnomAD exomes 0.00003; ExAC 0.00005; 1000 Genomes Project 30x 0.00016; 1000 Genomes Project 0.00020.
gnomAD v4.1: 13 of 1,551,536 alleles (0.00084%); highest among the groups gnomAD compares: Middle Eastern, 0.017%; no homozygotes.

Submission:

Labcorp Genetics (formerly Invitae), Labcorp
Classification: Uncertain significance. Last evaluated: 2022-06-27. Review status: criteria provided, single submitter. Criteria: Invitae Variant Classification Sherloc (09022015). Collection method: clinical testing. Allele origin: germline.
Comment: This sequence change replaces threonine, which is neutral and polar, with methionine, which is neutral and non-polar, at codon 282 of the KPNA7 protein (p.Thr282Met). This variant is present in population databases (rs550198713, gnomAD 0.01%). This variant has not been reported in the literature in individuals affected with KPNA7-related conditions. ClinVar contains an entry for this variant (Variation ID: 409802). Algorithms developed to predict the effect of missense changes on protein structure and function output the following: SIFT: "Deleterious"; PolyPhen-2: "Benign"; Align-GVGD: "Class C0". The methionine amino acid residue is found in multiple mammalian species, which suggests that this missense change does not adversely affect protein function. In summary, the available evidence is currently insufficient to determine the role of this variant in disease. Therefore, it has been classified as a Variant of Uncertain Significance.